The following is an entry in ClinVar:

NM_001843.4(CNTN1):c.2183C>A (p.Ala728Glu)

Gene: CNTN1 (contactin 1; plus strand). Cytogenetic location: 12q12.
Variant type: single nucleotide variant.
Coding change: c.2183C>A on transcript NM_001843.4 (MANE Select); coding-DNA position 2183, C replaced by A.
Protein change: p.Ala728Glu; replaces alanine 728 with glutamic acid.
Molecular consequence: missense variant.
Genome position (GRCh38, 1-based): chr12:41,014,297, C>A. VCF-style: chr12-41014297-C-A. GRCh37 (hg19) VCF-style: chr12-41408099-C-A.
Other names: c.2150C>A, p.Ala717Glu (NM_175038.2); short protein forms A717E, A728E.
Identifiers: ClinVar variation 1442238 (VCV001442238.5), dbSNP rs201782849, ClinGen allele CA6517073.

ClinVar aggregate classification (germline): Uncertain significance (1 of 4 stars; one submission).

Conditions:
Compton-North congenital myopathy (CMYO12). Identifiers: Orphanet 210163, MedGen C2675527, MONDO:0012929, OMIM 612540.

Allele frequency attached by ClinVar (database versions not stated): 1000 Genomes Project 30x 0.00016; 1000 Genomes Project 0.00020.
gnomAD v4.1: 2 of 1,613,640 alleles (0.00012%); highest among the groups gnomAD compares: East Asian, 0.0045%; no homozygotes.

Submission:

Labcorp Genetics (formerly Invitae), Labcorp
Classification: Uncertain significance for Compton-North congenital myopathy. Last evaluated: 2022-01-12. Review status: criteria provided, single submitter. Criteria: Invitae Variant Classification Sherloc (09022015). Collection method: clinical testing. Allele origin: germline.
Comment: This sequence change replaces alanine, which is neutral and non-polar, with glutamic acid, which is acidic and polar, at codon 728 of the CNTN1 protein (p.Ala728Glu). This variant is present in population databases (rs201782849, gnomAD 0.01%). This variant has not been reported in the literature in individuals affected with CNTN1-related conditions. Algorithms developed to predict the effect of missense changes on protein structure and function (SIFT, PolyPhen-2, Align-GVGD) all suggest that this variant is likely to be tolerated. In summary, the available evidence is currently insufficient to determine the role of this variant in disease. Therefore, it has been classified as a Variant of Uncertain Significance.